The following is an entry in ClinVar:

NM_001244008.2(KIF1A):c.611C>G (p.Thr204Ser)

Gene: KIF1A (kinesin family member 1A; minus strand). Cytogenetic location: 2q37.3.
Variant type: single nucleotide variant.
Coding change: c.611C>G on transcript NM_001244008.2 (MANE Select); coding-DNA position 611, C replaced by G.
Protein change: p.Thr204Ser; replaces threonine 204 with serine.
Molecular consequence: missense variant.
Genome position (GRCh38, 1-based): chr2:240,785,098, G>C on the plus strand (C>G on the coding strand, the complement: KIF1A is on the minus strand). VCF-style: chr2-240785098-G-C. GRCh37 (hg19) VCF-style: chr2-241724515-G-C.
Other names: c.611C>G, p.Thr204Ser (NM_001320705.2, NM_001330289.2, NM_001330290.2 and 20 more transcripts); short protein forms T204S.
Identifiers: ClinVar variation 1309083 (VCV001309083.2), dbSNP rs2126062797, ClinGen allele CA351305034.

ClinVar aggregate classification (germline): Uncertain significance (1 of 4 stars; one submission).

Submission:

GeneDx
Classification: Uncertain significance. Last evaluated: 2019-10-11. Review status: criteria provided, single submitter. Criteria: GeneDx Variant Classification Process June 2021. Collection method: clinical testing. Allele origin: germline. Affected: yes.
Comment: Not observed in large population cohorts (Lek et al., 2016); In silico analysis, which includes protein predictors and evolutionary conservation, supports a deleterious effect; Has not been previously published as pathogenic or benign to our knowledge